The following is an entry in ClinVar:

ClinVar aggregate classification (germline): Pathogenic. Review status: reviewed by expert panel (3 of 4 stars). 2 submissions from 2 submitters: Pathogenic (1). 1 of the submissions does not count toward it. Last evaluated 2017-12-15.

Conditions:
Familial cancer of breast. Also called: BREAST CANCER, FAMILIAL; Hereditary breast cancer; hereditary breast carcinoma. Identifiers: Orphanet 227535, MedGen C0346153, MONDO:0016419, OMIM 114480. Disease mechanism: loss of function.
Breast-ovarian cancer, familial, susceptibility to, 2 (BROVCA2). Also called: BRCA2 Hereditary Breast and Ovarian Cancer. Identifiers: Orphanet 145, MedGen C2675520, MONDO:0012933, OMIM 612555. Disease mechanism: loss of function.

Submissions (2):

Evidence-based Network for the Interpretation of Germline Mutant Alleles (ENIGMA)
Classification: Pathogenic for Breast-ovarian cancer, familial, susceptibility to, 2. Last evaluated: 2017-12-15. Review status: reviewed by expert panel. Criteria: ENIGMA BRCA1/2 Classification Criteria (2017-06-29). Collection method: curation. Allele origin: germline. Study: ENIGMA.
Comment: Variant allele predicted to encode a truncated non-functional protein.

ClinVar Staff, National Center for Biotechnology Information (NCBI)
No classification provided. Condition: Familial cancer of breast. Review status: no classification provided. Collection method: literature only. Allele origin: germline. Affected: yes. Not counted in ClinVar's aggregate classification.

Literature cited by the submitters: PubMed 20859677 (cited by ClinVar Staff, National Center for Biotechnology Information (NCBI)).

NM_000059.4(BRCA2):c.9262dup (p.Ala3088fs)

Gene: BRCA2 (BRCA2 DNA repair associated; plus strand). Cytogenetic location: 13q13.1.
Variant type: Duplication.
Coding change: c.9262dup on transcript NM_000059.4 (MANE Select); coding-DNA position 9262, one base duplicated (G; older notation c.9262dupG).
Protein change: p.Ala3088fs; shifts the reading frame from alanine 3088.
Molecular consequence: frameshift variant.
Genome position (GRCh38, 1-based): chr13:32,394,694, G duplicated. VCF-style (leftmost placement, unchanged base first): chr13-32394693-T-TG. GRCh37 (hg19) VCF-style: chr13-32968830-T-TG.
Other names: c.9262dupG (NM_000059.3); short protein forms A3088fs.
Identifiers: ClinVar variation 52795 (VCV000052795.2), dbSNP rs397508042, ClinGen allele CA026070.